The following is an entry in ClinVar:

NM_182961.4(SYNE1):c.10761C>T (p.Ser3587=)

Gene: SYNE1 (spectrin repeat containing nuclear envelope protein 1; minus strand). Cytogenetic location: 6q25.2.
Variant type: single nucleotide variant.
Coding change: c.10761C>T on transcript NM_182961.4 (MANE Select); coding-DNA position 10761, C replaced by T.
Protein change: p.Ser3587=; no amino-acid change (serine 3587 retained).
Molecular consequence: synonymous variant.
Genome position (GRCh38, 1-based): chr6:152,354,824, G>A on the plus strand (C>T on the coding strand, the complement: SYNE1 is on the minus strand). VCF-style: chr6-152354824-G-A. GRCh37 (hg19) VCF-style: chr6-152675959-G-A.
Other names: p.Ser3594=; c.10782C>T, p.Ser3594= (NM_033071.5).
Identifiers: ClinVar variation 286008 (VCV000286008.19), dbSNP rs201715967, ClinGen allele CA4056885.

ClinVar aggregate classification (germline): Conflicting classifications of pathogenicity. Review status: criteria provided, conflicting classifications (1 of 4 stars). 5 submissions from 5 submitters: Uncertain significance (1); Likely benign (4). Last evaluated 2025-12-08.

Conditions:
Autosomal recessive ataxia, Beauce type. Also called: Spinocerebellar ataxia, autosomal recessive 8; ATAXIA, RECESSIVE, OF BEAUCE; SYNE1 Deficiency; SYNE1-Related Autosomal Recessive Cerebellar Ataxia. Identifiers: Orphanet 88644, MedGen C1853116, MONDO:0012549, OMIM 610743.
Emery-Dreifuss muscular dystrophy 4, autosomal dominant (EDMD4). Also called: EMERY-DREIFUSS MUSCULAR DYSTROPHY 4 WITH VARIABLE FEATURES. Identifiers: Orphanet 261, MedGen C2751807, MONDO:0013071, OMIM 612998.

Allele frequency attached by ClinVar (database versions not stated): ExAC 0.00007; ESP Exome Variant Server 0.00008; gnomAD exomes 0.00009; gnomAD 0.00010 and 0.00011; TOPMed 0.00010; 1000 Genomes Project 30x 0.00031; 1000 Genomes Project 0.00040.
gnomAD v4.1: 286 of 1,614,054 alleles (0.018%); highest among the groups gnomAD compares: Non-Finnish European, 0.021%; no homozygotes.

Submissions (5):

Labcorp Genetics (formerly Invitae), Labcorp
Classification: Likely benign for Emery-Dreifuss muscular dystrophy 4, autosomal dominant; Autosomal recessive ataxia, Beauce type. Last evaluated: 2025-12-08. Review status: criteria provided, single submitter. Criteria: Invitae Variant Classification Sherloc (09022015). Collection method: clinical testing. Allele origin: germline.

Women's Health and Genetics/Laboratory Corporation of America, LabCorp
Classification: Likely benign. Last evaluated: 2025-10-13. Review status: criteria provided, single submitter. Criteria: LabCorp Variant Classification Summary - May 2015. Collection method: clinical testing. Allele origin: germline.

Mayo Clinic Laboratories, Mayo Clinic
Classification: Likely benign. Last evaluated: 2025-06-26. Review status: criteria provided, single submitter. Criteria: ACMG Guidelines, 2015. Collection method: clinical testing. Allele origin: germline. Observed: 1 variant allele.
Comment: BP4, BP7

Athena Diagnostics
Classification: Likely benign. Last evaluated: 2024-04-22. Review status: criteria provided, single submitter. Criteria: Athena Diagnostics Criteria. Collection method: clinical testing. Allele origin: unknown.

Eurofins Ntd Llc (ga)
Classification: Uncertain significance. Last evaluated: 2016-02-08. Review status: criteria provided, single submitter. Criteria: EGL Classification Definitions 2015. Collection method: clinical testing. Allele origin: germline. Observed: 3 variant alleles, 3 heterozygotes.